The following is an entry in ClinVar:

NM_004525.3(LRP2):c.4546A>G (p.Ile1516Val)

Gene: LRP2 (LDL receptor related protein 2; minus strand). Cytogenetic location: 2q31.1.
Variant type: single nucleotide variant.
Coding change: c.4546A>G on transcript NM_004525.3 (MANE Select); coding-DNA position 4546, A replaced by G.
Protein change: p.Ile1516Val; replaces isoleucine 1516 with valine.
Molecular consequence: missense variant.
Genome position (GRCh38, 1-based): chr2:169,237,248, T>C on the plus strand (A>G on the coding strand, the complement: LRP2 is on the minus strand). VCF-style: chr2-169237248-T-C. GRCh37 (hg19) VCF-style: chr2-170093758-T-C.
Other names: short protein forms I1516V.
Identifiers: ClinVar variation 999674 (VCV000999674.6), dbSNP rs1366981589, ClinGen allele CA349143592.

ClinVar aggregate classification (germline): Uncertain significance (1 of 4 stars; one submission).

Allele frequency attached by ClinVar (database versions not stated): gnomAD exomes below 0.00001; TOPMed 0.00001.
gnomAD v4.1: 1 of 1,613,902 alleles (0.000062%); highest among the groups gnomAD compares: Non-Finnish European, 0.000085%; no homozygotes.

Submission:

Labcorp Genetics (formerly Invitae), Labcorp
Classification: Uncertain significance. Last evaluated: 2021-09-01. Review status: criteria provided, single submitter. Criteria: Invitae Variant Classification Sherloc (09022015). Collection method: clinical testing. Allele origin: germline.
Comment: This sequence change replaces isoleucine with valine at codon 1516 of the LRP2 protein (p.Ile1516Val). The isoleucine residue is weakly conserved and there is a small physicochemical difference between isoleucine and valine. This variant is not present in population databases (ExAC no frequency). This variant has not been reported in the literature in individuals affected with LRP2-related conditions. Advanced modeling of protein sequence and biophysical properties (such as structural, functional, and spatial information, amino acid conservation, physicochemical variation, residue mobility, and thermodynamic stability) performed at Invitae indicates that this missense variant is not expected to disrupt LRP2 protein function. Algorithms developed to predict the effect of sequence changes on RNA splicing suggest that this variant may create or strengthen a splice site. In summary, the available evidence is currently insufficient to determine the role of this variant in disease. Therefore, it has been classified as a Variant of Uncertain Significance.